The following is an entry in ClinVar:

NM_001430.5(EPAS1):c.218-11C>G

Gene: EPAS1 (endothelial PAS domain protein 1; plus strand). Cytogenetic location: 2p21.
Variant type: single nucleotide variant.
Coding change: c.218-11C>G on transcript NM_001430.5 (MANE Select); 11 bases into the intron before coding-DNA position 218, C replaced by G.
Molecular consequence: intron variant.
Genome position (GRCh38, 1-based): chr2:46,356,140, C>G. VCF-style: chr2-46356140-C-G. GRCh37 (hg19) VCF-style: chr2-46583279-C-G.
Other names: NC_000002.11:g.46583279C>G.
Identifiers: ClinVar variation 336241 (VCV000336241.30), dbSNP rs75591953, ClinGen allele CA1644552.

ClinVar aggregate classification (germline): Benign/Likely benign. Review status: criteria provided, multiple submitters, no conflicts (2 of 4 stars). 2 submissions from 2 submitters: Benign (1); Likely benign (1). Last evaluated 2023-01-01.

Conditions:
Erythrocytosis, familial, 4 (ECYT4). Identifiers: Orphanet 247511, MedGen C2673187, MONDO:0012729, OMIM 611783.

Allele frequency attached by ClinVar (database versions not stated): 1000 Genomes Project 0.00040; gnomAD exomes 0.00216.
gnomAD v4.1: 2,869 of 1,362,986 alleles (0.21%); highest among the groups gnomAD compares: Non-Finnish European, 0.26%; 8 homozygotes.

Submissions (9):

CeGaT Center for Human Genetics Tuebingen
Classification: Likely benign. Last evaluated: 2023-01-01. Review status: criteria provided, single submitter. Criteria: CeGaT Center For Human Genetics Tuebingen Variant Classification Criteria Version 2. Collection method: clinical testing. Allele origin: germline. Affected: yes. Observed: 3 variant alleles.
Comment: EPAS1: BS2

Illumina Laboratory Services, Illumina
Classification: Benign for Erythrocytosis, familial, 4. Last evaluated: 2018-01-13. Review status: criteria provided, single submitter. Criteria: ICSL Variant Classification Criteria 13 December 2019. Collection method: clinical testing. Allele origin: germline.
Comment: This variant was observed in the ICSL laboratory as part of a predisposition screen in an ostensibly healthy population. It had not been previously curated by ICSL or reported in the Human Gene Mutation Database (HGMD: prior to June 1st, 2018), and was therefore a candidate for classification through an automated scoring system. Utilizing variant allele frequency, disease prevalence and penetrance estimates, and inheritance mode, an automated score was calculated to assess if this variant is too frequent to cause the disease. Based on the score and internal cut-off values, a variant classified as benign is not then subjected to further curation. The score for this variant resulted in a classification of benign for this disease.

Dr. Peter K. Rogan Lab, Western University
No classification provided (evidence only). Condition: Squamous cell carcinoma of the head and neck. Review status: no classification provided. Collection method: in vitro. Allele origin: not applicable. Functional consequence: retained intron. Not counted in ClinVar's aggregate classification.

Dr. Peter K. Rogan Lab, Western University
No classification provided (evidence only). Condition: Uterine corpus endometrial carcinoma. Review status: no classification provided. Collection method: in vitro. Allele origin: not applicable. Functional consequence: retained intron. Not counted in ClinVar's aggregate classification.

Dr. Peter K. Rogan Lab, Western University
No classification provided (evidence only). Condition: Cervical cancer. Review status: no classification provided. Collection method: in vitro. Allele origin: not applicable. Functional consequence: retained intron. Not counted in ClinVar's aggregate classification.

Dr. Peter K. Rogan Lab, Western University
No classification provided (evidence only). Condition: Pancreatic adenocarcinoma. Review status: no classification provided. Collection method: in vitro. Allele origin: not applicable. Functional consequence: retained intron. Not counted in ClinVar's aggregate classification.

Dr. Peter K. Rogan Lab, Western University
No classification provided (evidence only). Condition: Gastric cancer. Review status: no classification provided. Collection method: in vitro. Allele origin: not applicable. Functional consequence: retained intron. Not counted in ClinVar's aggregate classification.

Dr. Peter K. Rogan Lab, Western University
No classification provided (evidence only). Condition: Ovarian cancer. Review status: no classification provided. Collection method: in vitro. Allele origin: not applicable. Functional consequence: retained intron. Not counted in ClinVar's aggregate classification.

Dr. Peter K. Rogan Lab, Western University
No classification provided (evidence only). Condition: Ovarian cancer. Review status: no classification provided. Collection method: in vitro. Allele origin: not applicable. Functional consequence: retained intron. Not counted in ClinVar's aggregate classification.